The following is an entry in ClinVar:

NM_024580.6(EFL1):c.208A>C (p.Met70Leu)

Gene: EFL1 (elongation factor like GTPase 1; minus strand). Cytogenetic location: 15q25.2.
Variant type: single nucleotide variant.
Coding change: c.208A>C on transcript NM_024580.6 (MANE Select); coding-DNA position 208, A replaced by C.
Protein change: p.Met70Leu; replaces methionine 70 with leucine.
Molecular consequence: missense variant. On other transcripts: non-coding transcript variant (1), intron variant (2).
Genome position (GRCh38, 1-based): chr15:82,252,727, T>G on the plus strand (A>C on the coding strand, the complement: EFL1 is on the minus strand). VCF-style: chr15-82252727-T-G. GRCh37 (hg19) VCF-style: chr15-82545068-T-G.
Other names: c.208A>C, p.Met70Leu (NM_001322845.2); c.91+8961A>C (NM_001040610.3); c.-546+6361A>C (NM_001322844.2); short protein forms M70L.
Identifiers: ClinVar variation 1933993 (VCV001933993.2), dbSNP rs746154488, ClinGen allele CA7698350.

ClinVar aggregate classification (germline): Uncertain significance (1 of 4 stars; one submission).

Allele frequency attached by ClinVar (database versions not stated): 1000 Genomes Project 30x 0.00016.
gnomAD v4.1: 29 of 1,613,564 alleles (0.0018%); highest among the groups gnomAD compares: Middle Eastern, 0.016%; no homozygotes.

Submission:

Labcorp Genetics (formerly Invitae), Labcorp
Classification: Uncertain significance. Last evaluated: 2022-08-21. Review status: criteria provided, single submitter. Criteria: Invitae Variant Classification Sherloc (09022015). Collection method: clinical testing. Allele origin: germline.
Comment: This sequence change replaces methionine, which is neutral and non-polar, with leucine, which is neutral and non-polar, at codon 70 of the EFL1 protein (p.Met70Leu). This variant is present in population databases (rs746154488, gnomAD 0.003%). This variant has not been reported in the literature in individuals affected with EFL1-related conditions. Algorithms developed to predict the effect of missense changes on protein structure and function are either unavailable or do not agree on the potential impact of this missense change (SIFT: "Deleterious"; PolyPhen-2: "Probably Damaging"; Align-GVGD: "Class C0"). In summary, the available evidence is currently insufficient to determine the role of this variant in disease. Therefore, it has been classified as a Variant of Uncertain Significance.